The following is an entry in ClinVar:

NM_000092.5(COL4A4):c.2456G>C (p.Gly819Ala)

Gene: COL4A4 (collagen type IV alpha 4 chain; minus strand). Cytogenetic location: 2q36.3.
Variant type: single nucleotide variant.
Coding change: c.2456G>C on transcript NM_000092.5 (MANE Select); coding-DNA position 2456, G replaced by C.
Protein change: p.Gly819Ala; replaces glycine 819 with alanine.
Molecular consequence: missense variant.
Genome position (GRCh38, 1-based): chr2:227,057,528, C>G on the plus strand (G>C on the coding strand, the complement: COL4A4 is on the minus strand). VCF-style: chr2-227057528-C-G. GRCh37 (hg19) VCF-style: chr2-227922244-C-G.
Other names: short protein forms G819A.
Identifiers: ClinVar variation 4817307 (VCV004817307.1).

ClinVar aggregate classification (germline): Likely pathogenic (1 of 4 stars; one submission).

Conditions:
Alport syndrome. Also called: Hemorrhagic familial nephritis; Hemorrhagic hereditary nephritis; Congenital hereditary hematuria. Identifiers: Orphanet 63, MedGen C1567741, MONDO:0018965.

Submission:

Natera, Inc.
Classification: Likely pathogenic for Alport syndrome. Last evaluated: 2025-09-18. Review status: criteria provided, single submitter. Criteria: Natera Variant Classification Schema (03/2026). Collection method: clinical testing. Allele origin: germline.
Comment: The c.2456G>C variant in COL4A4 is a missense variant predicted to cause substitution of glycine to alanine at amino acid 819. This variant is rare in the general population with a frequency below the threshold expected for the associated phenotype(s). This variant is located in a functionally critical region of the protein. Computational prediction algorithms indicate this variant is likely to affect gene or protein function. Given the available evidence, this variant is classified as Likely Pathogenic.